The following is an entry in ClinVar:

ClinVar aggregate classification (germline): Likely benign (1 of 4 stars; one submission).

gnomAD v4.1: 126 of 1,614,140 alleles (0.0078%); highest among the groups gnomAD compares: South Asian, 0.094%; 2 homozygotes.

Submission:

CeGaT Center for Human Genetics Tuebingen
Classification: Likely benign. Last evaluated: 2024-07-01. Review status: criteria provided, single submitter. Criteria: CeGaT Center For Human Genetics Tuebingen Variant Classification Criteria Version 2. Collection method: clinical testing. Allele origin: germline. Affected: yes. Observed: 1 variant allele.
Comment: SMARCC2: BS1

NM_001330288.2(SMARCC2):c.2279C>T (p.Ala760Val)

Gene: SMARCC2 (SWI/SNF related BAF chromatin remodeling complex subunit C2; minus strand). Cytogenetic location: 12q13.2.
Variant type: single nucleotide variant.
Coding change: c.2279C>T on transcript NM_001330288.2 (MANE Select); coding-DNA position 2279, C replaced by T.
Protein change: p.Ala760Val; replaces alanine 760 with valine.
Molecular consequence: missense variant.
Genome position (GRCh38, 1-based): chr12:56,171,339, G>A on the plus strand (C>T on the coding strand, the complement: SMARCC2 is on the minus strand). VCF-style: chr12-56171339-G-A. GRCh37 (hg19) VCF-style: chr12-56565123-G-A.
Other names: c.2279C>T, p.Ala760Val (NM_001130420.3, NM_139067.4); c.2186C>T, p.Ala729Val (NM_003075.5); short protein forms A729V, A760V.
Identifiers: ClinVar variation 3257109 (VCV003257109.17).